The following is an entry in ClinVar:

ClinVar aggregate classification (germline): Likely benign. Review status: criteria provided, single submitter (1 of 4 stars). 2 submissions from 2 submitters: Likely benign (1). 1 of the submissions does not count toward it. Last evaluated 2025-11-19.

Conditions:
PEX1-related disorder. Also called: PEX1-related condition.
Zellweger spectrum disorders (ZS). Also called: Zellweger syndrome; Zellweger Spectrum Disorder; Zellweger Spectrum; Zellweger Spectrum Disorder (ZSD). Identifiers: Orphanet 912, MedGen C0043459, MONDO:0019609.

Allele frequency attached by ClinVar (database versions not stated): gnomAD exomes below 0.00001; TOPMed below 0.00001.
gnomAD v4.1: 6 of 1,580,032 alleles (0.00038%); highest among the groups gnomAD compares: Non-Finnish European, 0.00043%; no homozygotes.

Submissions (2):

Labcorp Genetics (formerly Invitae), Labcorp
Classification: Likely benign for Zellweger spectrum disorders. Last evaluated: 2025-11-19. Review status: criteria provided, single submitter. Criteria: Invitae Variant Classification Sherloc (09022015). Collection method: clinical testing. Allele origin: germline.

PreventionGenetics, part of Exact Sciences
Classification: Likely benign for PEX1-related condition. Last evaluated: 2024-05-30. Review status: no assertion criteria provided. Collection method: clinical testing. Allele origin: germline. Not counted in ClinVar's aggregate classification.
Comment: This variant is classified as likely benign based on ACMG/AMP sequence variant interpretation guidelines (Richards et al. 2015 PMID: 25741868, with internal and published modifications).

NM_000466.3(PEX1):c.84C>T (p.Phe28=)

Genes: PEX1 (peroxisomal biogenesis factor 1; minus strand), LOC129998796 (ATAC-STARR-seq lymphoblastoid silent region 18372; plus strand). Cytogenetic location: 7q21.2.
Variant type: single nucleotide variant.
Coding change: c.84C>T on transcript NM_000466.3 (MANE Select); coding-DNA position 84, C replaced by T.
Protein change: p.Phe28=; no amino-acid change (phenylalanine 28 retained).
Molecular consequence: synonymous variant. On other transcripts: 5 prime UTR variant (1).
Genome position (GRCh38, 1-based): chr7:92,528,352, G>A on the plus strand (C>T on the coding strand, the complement: PEX1 is on the minus strand). VCF-style: chr7-92528352-G-A. GRCh37 (hg19) VCF-style: chr7-92157666-G-A.
Other names: c.84C>T, p.Phe28= (NM_001282677.2); c.-576C>T (NM_001282678.2); c.84C>T (NM_000466.2).
Identifiers: ClinVar variation 1101418 (VCV001101418.10), dbSNP rs1263087011, ClinGen allele CA456484184.